The following is an entry in ClinVar:

ClinVar aggregate classification (germline): Conflicting classifications of pathogenicity. Review status: criteria provided, conflicting classifications (1 of 4 stars). 4 submissions from 4 submitters: Likely pathogenic (1); Uncertain significance (2). 1 of the submissions does not count toward it. Last evaluated 2024-12-11.

Conditions:
Intellectual developmental disorder, autosomal recessive 44. Also called: Intellectual disability, autosomal recessive 44. Identifiers: Orphanet 88616, MedGen C4014745, MONDO:0014409, OMIM 615942.
Inborn genetic diseases. Identifiers: MedGen C0950123, MeSH D030342.

Submissions (4):

GeneDx
Classification: Likely pathogenic. Last evaluated: 2024-12-11. Review status: criteria provided, single submitter. Criteria: GeneDx Variant Classification Process June 2021. Collection method: clinical testing. Allele origin: germline. Affected: yes.
Comment: In-frame deletion of 1 amino acid(s) in a non-repeat region; In silico analysis supports a deleterious effect on protein structure/function; Has not been previously published as pathogenic or benign to our knowledge

Ambry Genetics
Classification: Uncertain significance for Inborn genetic diseases. Last evaluated: 2023-05-10. Review status: criteria provided, single submitter. Criteria: Ambry Variant Classification Scheme 2023. Collection method: clinical testing. Allele origin: germline.
Comment: The c.278_280delCAC (p.P93del) alteration, located in exon 3 (coding exon 2) of the METTL23 gene, results from an in-frame deletion at nucleotide positions c.278 to c.280. This results in the deletion of a proline residue at codon 93. Based on data from gnomAD, this allele has an overall frequency of 0.010% (28/280370) total alleles studied. The highest observed frequency was 0.025% (6/24172) of African alleles. This amino acid position is not well conserved in available vertebrate species. The p.P93 amino acid is located in the lysine methyltransferase domain of the METTL23 protein. Methyltransferases catalyze the transfer of a methyl group from S-adenosyl L-methionine (SAM) to a nucleophilic acceptor (Kozbial, 2005). All methyltransferases share a conserved region of approximately 130 amino acids, which allows them to bind to SAM (Schluckebier, 1995). This alteration is predicted to be deleterious by in silico analysis (Choi, 2012). Based on insufficient or conflicting evidence, the clinical significance of this alteration remains unclear.

CeGaT Center for Human Genetics Tuebingen
Classification: Uncertain significance. Last evaluated: 2022-02-01. Review status: criteria provided, single submitter. Criteria: CeGaT Center For Human Genetics Tuebingen Variant Classification Criteria Version 2. Collection method: clinical testing. Allele origin: germline. Affected: yes. Observed: 1 variant allele.

Zotz-Klimas Genetics Lab, MVZ Zotz Klimas
Classification: Uncertain significance for Intellectual developmental disorder, autosomal recessive 44. Last evaluated: 2023-04-13. Review status: no assertion criteria provided. Collection method: clinical testing. Allele origin: germline. Affected: yes. Not counted in ClinVar's aggregate classification.

Literature cited by the submitters: PubMed 7897657 (cited by Ambry Genetics); PubMed 16225687 (cited by Ambry Genetics).

NM_001080510.5(METTL23):c.275CAC[1] (p.Pro93del)

Gene: METTL23 (methyltransferase 23, arginine; plus strand). Cytogenetic location: 17q25.1.
Variant type: Microsatellite.
Coding change: c.275CAC[1] on transcript NM_001080510.5 (MANE Select); one copy of the 3-base unit CAC starting at c.275; the reference has two copies in a row; one copy, 3 bases deleted; also written c.278_280del.
Protein change: p.Pro93del; deletes proline 93.
Molecular consequence: inframe deletion.
Genome position (GRCh38, 1-based): chr17:76,733,171-76,733,173, CAC deleted; deleting any 3 consecutive bases within chr17:76,733,166-76,733,173 gives the same sequence; the position shown is the placement nearest the transcript's 3' end. VCF-style (leftmost placement, unchanged base first): chr17-76733165-TACC-T. GRCh37 (hg19) VCF-style: chr17-74729247-TACC-T.
Other names: c.278_280del (NM_001080510.5); c.275CAC[1], p.Pro93del (NM_001206983.3, NM_001206984.3, NM_001302703.2 and 2 more transcripts); c.74CAC[1], p.Pro26del (NM_001206985.3, NM_001206986.3, NM_001206987.3 and 2 more transcripts); c.263CAC[1], p.Pro89del (NM_001302705.2, NM_001378350.1, NM_001378351.1 and 2 more transcripts); short protein forms P93del, P26del, P89del.
Identifiers: ClinVar variation 520855 (VCV000520855.41), dbSNP rs773937309, ClinGen allele CA8790112.